The following is an entry in ClinVar:

ClinVar aggregate classification (germline): Uncertain significance (1 of 4 stars; one submission).

Submission:

Labcorp Genetics (formerly Invitae), Labcorp
Classification: Uncertain significance. Last evaluated: 2024-08-29. Review status: criteria provided, single submitter. Criteria: Invitae Variant Classification Sherloc (09022015). Collection method: clinical testing. Allele origin: germline.
Comment: This sequence change replaces threonine, which is neutral and polar, with serine, which is neutral and polar, at codon 275 of the FAM65B protein (p.Thr275Ser). This variant is not present in population databases (gnomAD no frequency). This variant has not been reported in the literature in individuals affected with FAM65B-related conditions. An algorithm developed to predict the effect of missense changes on protein structure and function outputs the following: PolyPhen-2: "Benign". The serine amino acid residue is found in multiple mammalian species, which suggests that this missense change does not adversely affect protein function. In summary, the available evidence is currently insufficient to determine the role of this variant in disease. Therefore, it has been classified as a Variant of Uncertain Significance.

NM_001286445.3(RIPOR2):c.910A>T (p.Thr304Ser)

Gene: RIPOR2 (RHO family interacting cell polarization regulator 2; minus strand). Cytogenetic location: 6p22.3.
Variant type: single nucleotide variant.
Coding change: c.910A>T on transcript NM_001286445.3 (MANE Select); coding-DNA position 910, A replaced by T.
Protein change: p.Thr304Ser; replaces threonine 304 with serine.
Molecular consequence: missense variant.
Genome position (GRCh38, 1-based): chr6:24,849,926, T>A on the plus strand (A>T on the coding strand, the complement: RIPOR2 is on the minus strand). VCF-style: chr6-24849926-T-A. GRCh37 (hg19) VCF-style: chr6-24850154-T-A.
Other names: c.925A>T, p.Thr309Ser (NM_001286446.3); c.823A>T, p.Thr275Ser (NM_001286447.2, NM_001346031.2, NM_001346032.2 and 2 more transcripts); short protein forms T275S, T304S, T309S.
Identifiers: ClinVar variation 3606854 (VCV003606854.2).
Genomic context (GRCh38, chr6:24,849,926, plus strand): 5'-GAGGTCGGGCTGCAAACAGCTCTTTGGTCTCACAGGTCACGCTACCTACCAGGATGTGAG[T>A]TGCTAGCCCTTTGAGCTCCGTGACCTAGCAGAGAGAGTGGGAGAGAATAGGCCTTACATC-3'
Protein context (NP_001273374.1, residues 294-314): IKVTELKGLA[Thr304Ser]HILVGSVTCE